The following is an entry in ClinVar:

ClinVar aggregate classification (germline): Uncertain significance. Review status: criteria provided, multiple submitters, no conflicts (2 of 4 stars). 2 submissions from 2 submitters: Uncertain significance (2). Last evaluated 2025-02-20.

Conditions:
Cardiomyopathy (CMYO). Also called: Cardiomyopathies. Identifiers: Orphanet 167848, MedGen C0878544, MONDO:0004994, HP:0001638. Inheritance: Various modes of inheritance.
Catecholaminergic polymorphic ventricular tachycardia 1. Also called: VENTRICULAR TACHYCARDIA, CATECHOLAMINERGIC POLYMORPHIC, 1, WITH OR WITHOUT ATRIAL DYSFUNCTION AND/OR DILATED CARDIOMYOPATHY; RYR2-Related Catecholaminergic Polymorphic Ventricular Tachycardia; VENTRICULAR TACHYCARDIA, STRESS-INDUCED POLYMORPHIC 1. Identifiers: Orphanet 3286, MedGen C1631597, MONDO:0011484, OMIM 604772.

Allele frequency attached by ClinVar (database versions not stated): gnomAD exomes below 0.00001 and 0.00001; ExAC 0.00001.
gnomAD v4.1: 3 of 1,613,970 alleles (0.00019%); highest among the groups gnomAD compares: Non-Finnish European, 0.00025%; no homozygotes.

Submissions (2):

Labcorp Genetics (formerly Invitae), Labcorp
Classification: Uncertain significance for Catecholaminergic polymorphic ventricular tachycardia 1. Last evaluated: 2025-02-20. Review status: criteria provided, single submitter. Criteria: Invitae Variant Classification Sherloc (09022015). Collection method: clinical testing. Allele origin: germline.
Comment: This sequence change replaces aspartic acid, which is acidic and polar, with glutamic acid, which is acidic and polar, at codon 1246 of the RYR2 protein (p.Asp1246Glu). This variant is present in population databases (rs755170090, gnomAD 0.0009%). This variant has not been reported in the literature in individuals affected with RYR2-related conditions. ClinVar contains an entry for this variant (Variation ID: 921281). Invitae Evidence Modeling of protein sequence and biophysical properties (such as structural, functional, and spatial information, amino acid conservation, physicochemical variation, residue mobility, and thermodynamic stability) indicates that this missense variant is not expected to disrupt RYR2 protein function with a negative predictive value of 95%. In summary, the available evidence is currently insufficient to determine the role of this variant in disease. Therefore, it has been classified as a Variant of Uncertain Significance.

Color Diagnostics, LLC DBA Color Health
Classification: Uncertain significance for Cardiomyopathy. Last evaluated: 2023-12-05. Review status: criteria provided, single submitter. Criteria: ACMG Guidelines, 2015. Collection method: clinical testing. Allele origin: germline.
Comment: Variant of Uncertain Significance due to insufficient evidence: This missense variant replaces aspartic acid with glutamic acid at codon 1246 of the RYR2 protein. Computational prediction tools and conservation analyses are inconclusive regarding the impact of this variant on the protein function. Computational splicing tools suggest that this variant may not impact RNA splicing. To our knowledge, functional assays have not been performed for this variant nor has this variant been reported in individuals affected with cardiovascular disorders in the literature. This variant has been identified in 1/249084 chromosomes in the general population by the Genome Aggregation Database (gnomAD). Available evidence is insufficient to determine the role of this variant in disease conclusively.

NM_001035.3(RYR2):c.3738T>A (p.Asp1246Glu)

Gene: RYR2 (ryanodine receptor 2; plus strand). Cytogenetic location: 1q43.
Variant type: single nucleotide variant.
Coding change: c.3738T>A on transcript NM_001035.3 (MANE Select); coding-DNA position 3738, T replaced by A.
Protein change: p.Asp1246Glu; replaces aspartic acid 1246 with glutamic acid.
Molecular consequence: missense variant.
Genome position (GRCh38, 1-based): chr1:237,589,932, T>A. VCF-style: chr1-237589932-T-A. GRCh37 (hg19) VCF-style: chr1-237753232-T-A.
Other names: short protein forms D1246E.
Identifiers: ClinVar variation 921281 (VCV000921281.6), dbSNP rs755170090, ClinGen allele CA086437.